The following is an entry in ClinVar:

ClinVar aggregate classification (germline): Pathogenic (1 of 4 stars; one submission).

Conditions:
Fanconi anemia (FA). Also called: Fanconi's anemia. Identifiers: Orphanet 84, MedGen C0015625, MeSH D005199, MONDO:0019391.

Submission:

Labcorp Genetics (formerly Invitae), Labcorp
Classification: Pathogenic for Fanconi anemia. Last evaluated: 2020-03-29. Review status: criteria provided, single submitter. Criteria: Invitae Variant Classification Sherloc (09022015). Collection method: clinical testing. Allele origin: germline.
Comment: For these reasons, this variant has been classified as Pathogenic. Loss-of-function variants in FANCM are known to be pathogenic (PMID: 29895858, 30075111). This variant has not been reported in the literature in individuals with FANCM-related conditions. This variant is present in population databases (rs762570903, ExAC 0.01%). This sequence change creates a premature translational stop signal (p.Ser734Asnfs*25) in the FANCM gene. It is expected to result in an absent or disrupted protein product.

Literature cited by the submitters: PubMed 29895858; PubMed 30075111.

NM_020937.4(FANCM):c.2199_2202del (p.Ser734fs)

Gene: FANCM (FA complementation group M; plus strand). Cytogenetic location: 14q21.2.
Variant type: Microsatellite.
Coding change: c.2199_2202del on transcript NM_020937.4 (MANE Select); coding-DNA positions 2199 to 2202, 4 bases deleted (CTCT; older notation c.2199_2202delCTCT).
Protein change: p.Ser734fs; shifts the reading frame from serine 734.
Molecular consequence: frameshift variant.
Genome position (GRCh38, 1-based): chr14:45,173,093-45,173,096, CTCT deleted; deleting any 4 consecutive bases within chr14:45,173,085-45,173,096 gives the same sequence; the c. name uses the placement nearest the transcript's 3' end. VCF-style (leftmost placement, unchanged base first): chr14-45173084-ACTCT-A. GRCh37 (hg19) VCF-style: chr14-45642287-ACTCT-A.
Other names: c.2121_2124del, p.Ser708fs (NM_001308133.2); short protein forms S708fs, S734fs.
Identifiers: ClinVar variation 1074585 (VCV001074585.7), dbSNP rs762570903, ClinGen allele CA7169285.